The following is an entry in ClinVar:

ClinVar aggregate classification (germline): Benign (1 of 4 stars; one submission).

Allele frequency attached by ClinVar (database versions not stated): 1000 Genomes Project 0.00060; 1000 Genomes Project 30x 0.00062; ExAC 0.00163; TOPMed 0.00168; gnomAD 0.00209; gnomAD exomes 0.00247.
gnomAD v4.1: 3,125 of 1,289,910 alleles (0.24%); highest among the groups gnomAD compares: Non-Finnish European, 0.29%; 9 homozygotes.

Submission:

CeGaT Center for Human Genetics Tuebingen
Classification: Benign. Last evaluated: 2022-08-01. Review status: criteria provided, single submitter. Criteria: CeGaT Center For Human Genetics Tuebingen Variant Classification Criteria Version 2. Collection method: clinical testing. Allele origin: germline. Affected: yes. Observed: 4 variant alleles.
Comment: EPB41L1: BS1, BS2

NM_012156.2(EPB41L1):c.1669-3415A>C

Gene: EPB41L1 (erythrocyte membrane protein band 4.1 like 1; plus strand). Cytogenetic location: 20q11.23.
Variant type: single nucleotide variant.
Coding change: c.1669-3415A>C on transcript NM_012156.2 (MANE Select); 3415 bases into the intron before coding-DNA position 1669, A replaced by C.
Molecular consequence: intron variant.
Genome position (GRCh38, 1-based): chr20:36,206,073, A>C. VCF-style: chr20-36206073-A-C. GRCh37 (hg19) VCF-style: chr20-34793995-A-C.
Other names: c.1444-6199A>C (NM_001424374.1, NM_001424379.1, NM_001424377.1); c.1447-3415A>C (NM_001424393.1, NM_001424390.1, NM_001258331.2 and 4 more transcripts); c.1447-6199A>C (NM_001424380.1, NM_001424373.1, NM_001424378.1 and 4 more transcripts); c.1444-3415A>C (NM_001424392.1, NM_001424391.1, NM_001424389.1); c.1540-6199A>C (NM_001258330.1); c.1669-3415A>C (NM_001258329.1, NM_001424397.1); c.1669-6199A>C (NM_001424384.1); c.1633-3415A>C (NM_001424401.1, NM_001424400.1, NM_001424396.1); and 5 more.
Identifiers: ClinVar variation 2652293 (VCV002652293.24), dbSNP rs143061330, ClinGen allele CA9839965.
Genomic context (GRCh38, chr20:36,206,073, plus strand): 5'-AGTGGAAGTGGCCACAGAAGAAATGGTGGGAAACAGAAGAGCAAACACCCAGCAACAAGG[A>C]AAAATGATTGCAAGTCCTGAAGACTTTGAGTCAGTGGGGGAGGAAGGCCCCTGGATCAGG-3'